The following is an entry in ClinVar:

ClinVar aggregate classification (germline): Uncertain significance (1 of 4 stars; one submission).

gnomAD v4.1: 3 of 1,613,968 alleles (0.00019%); highest among the groups gnomAD compares: Admixed American, 0.005%; no homozygotes.

Submission:

Dasa
Classification: Uncertain significance. Last evaluated: 2025-10-20. Review status: criteria provided, single submitter. Criteria: DASA Assertion Criteria. Collection method: clinical testing. Allele origin: germline.
Comment: NM_003931.3(WASF1):c.1277C>T (p.Pro426Leu) is a missense variant that results in the substitution of proline with leucine. This variant is absent from population databases. The currently available literature and clinical evidence are not sufficient to establish a definitive association between this variant and the reported condition. Therefore, this variant is classified as a variant of uncertain significance.

NM_003931.3(WASF1):c.1277C>T (p.Pro426Leu)

Gene: WASF1 (WASP family member 1; minus strand). Cytogenetic location: 6q21.
Variant type: single nucleotide variant.
Coding change: c.1277C>T on transcript NM_003931.3 (MANE Select); coding-DNA position 1277, C replaced by T.
Protein change: p.Pro426Leu; replaces proline 426 with leucine.
Molecular consequence: missense variant.
Genome position (GRCh38, 1-based): chr6:110,101,833, G>A on the plus strand (C>T on the coding strand, the complement: WASF1 is on the minus strand). VCF-style: chr6-110101833-G-A. GRCh37 (hg19) VCF-style: chr6-110423036-G-A.
Other names: c.1277C>T, p.Pro426Leu (NM_001024934.2, NM_001024935.2, NM_001024936.2); short protein forms P426L.
Identifiers: ClinVar variation 4884960 (VCV004884960.2).